The following is an entry in ClinVar:

NC_000007.13:g.(?_141351305)_(141352724_?)del

Gene: AGK (acylglycerol kinase; plus strand). Cytogenetic location: 7q34.
Variant type: Deletion.
Identifiers: ClinVar variation 3245751 (VCV003245751.1).

ClinVar aggregate classification (germline): Pathogenic (1 of 4 stars; one submission).

Conditions:
Cataract 38. Also called: Cataract, autosomal recessive congenital 5; Cataract 38, autosomal recessive. Identifiers: Orphanet 91492, MedGen C3553494, MONDO:0013859, OMIM 614691.
Sengers syndrome. Also called: MITOCHONDRIAL DNA DEPLETION SYNDROME 10 (CARDIOMYOPATHIC TYPE); Cardiomyopathy and cataract. Identifiers: Orphanet 1369, MedGen C1859317, MONDO:0008922, OMIM 212350.

Submission:

Labcorp Genetics (formerly Invitae), Labcorp
Classification: Pathogenic for Sengers syndrome; Cataract 38. Last evaluated: 2022-12-06. Review status: criteria provided, single submitter. Criteria: Invitae Variant Classification Sherloc (09022015). Collection method: clinical testing. Allele origin: unknown.
Comment: For these reasons, this variant has been classified as Pathogenic. This variant disrupts a region of the AGK protein in which other variant(s) (p.Tyr390Serfs*9) have been determined to be pathogenic (Invitae). This suggests that this is a clinically significant region of the protein, and that variants that disrupt it are likely to be disease-causing. This variant has not been reported in the literature in individuals affected with AGK-related conditions. This variant is a gross deletion of the genomic region encompassing exon(s) 15-16 of the AGK gene, which includes the termination codon. This deletion extends beyond the assayed region for this gene and therefore may encompass additional genes. While this deletion is not anticipated to lead to nonsense mediated decay, it is expected to alter mRNA translation or result in a truncated protein product.